The following is an entry in ClinVar:

ClinVar aggregate classification (germline): Uncertain significance (1 of 4 stars; one submission).

Conditions:
Inborn genetic diseases. Identifiers: MedGen C0950123, MeSH D030342.

Submission:

Ambry Genetics
Classification: Uncertain significance for Inborn genetic diseases. Last evaluated: 2025-09-28. Review status: criteria provided, single submitter. Criteria: Ambry Variant Classification Scheme 2023. Collection method: clinical testing. Allele origin: germline.
Comment: The p.A1435S variant (also known as c.4303G>T), located in coding exon 1 of the SAMD9 gene, results from a G to T substitution at nucleotide position 4303. The alanine at codon 1435 is replaced by serine, an amino acid with similar properties. This amino acid position is conserved. In addition, this alteration is predicted to be tolerated by in silico analysis. Based on the available evidence, the clinical significance of this variant remains unclear.

NM_017654.4(SAMD9):c.4303G>T (p.Ala1435Ser)

Gene: SAMD9 (sterile alpha motif domain containing 9; minus strand). Cytogenetic location: 7q21.2.
Variant type: single nucleotide variant.
Coding change: c.4303G>T on transcript NM_017654.4 (MANE Select); coding-DNA position 4303, G replaced by T.
Protein change: p.Ala1435Ser; replaces alanine 1435 with serine.
Molecular consequence: missense variant.
Genome position (GRCh38, 1-based): chr7:93,101,795, C>A on the plus strand (G>T on the coding strand, the complement: SAMD9 is on the minus strand). VCF-style: chr7-93101795-C-A. GRCh37 (hg19) VCF-style: chr7-92731108-C-A.
Other names: c.4303G>T, p.Ala1435Ser (NM_001193307.2); short protein forms A1435S.
Identifiers: ClinVar variation 4629837 (VCV004629837.1).